The following is an entry in ClinVar:

NM_004385.5(VCAN):c.5069A>G (p.Tyr1690Cys)

Genes: VCAN (versican; plus strand), VCAN-AS1 (VCAN antisense RNA 1; minus strand). Cytogenetic location: 5q14.3.
Variant type: single nucleotide variant.
Coding change: c.5069A>G on transcript NM_004385.5 (MANE Select); coding-DNA position 5069, A replaced by G.
Protein change: p.Tyr1690Cys; replaces tyrosine 1690 with cysteine.
Molecular consequence: missense variant. On other transcripts: intron variant (2).
Genome position (GRCh38, 1-based): chr5:83,538,072, A>G. VCF-style: chr5-83538072-A-G. GRCh37 (hg19) VCF-style: chr5-82833891-A-G.
Other names: c.2108A>G, p.Tyr703Cys (NM_001164097.2); c.4004-7465A>G (NM_001164098.2); c.1043-7465A>G (NM_001126336.3); c.5069A>G (NM_004385.4); short protein forms Y1690C, Y703C.
Identifiers: ClinVar variation 1054996 (VCV001054996.12), dbSNP rs138927784, ClinGen allele CA3333275.

ClinVar aggregate classification (germline): Conflicting classifications of pathogenicity. Review status: criteria provided, conflicting classifications (1 of 4 stars). 4 submissions from 4 submitters: Uncertain significance (3); Likely benign (1). Last evaluated 2025-12-09.

Conditions:
VCAN-related disorder. Also called: VCAN-related condition.
Inborn genetic diseases. Identifiers: MedGen C0950123, MeSH D030342.

Allele frequency attached by ClinVar (database versions not stated): gnomAD exomes 0.00004 and 0.00017; ExAC 0.00006; gnomAD 0.00006 and 0.00008; TOPMed 0.00011; ESP Exome Variant Server 0.00023.
gnomAD v4.1: 279 of 1,613,946 alleles (0.017%); highest among the groups gnomAD compares: Non-Finnish European, 0.022%; 1 homozygote.

Submissions (4):

Ambry Genetics
Classification: Uncertain significance for Inborn genetic diseases. Last evaluated: 2025-12-09. Review status: criteria provided, single submitter. Criteria: Ambry Variant Classification Scheme 2023. Collection method: clinical testing. Allele origin: germline.

Labcorp Genetics (formerly Invitae), Labcorp
Classification: Uncertain significance. Last evaluated: 2025-04-20. Review status: criteria provided, single submitter. Criteria: Invitae Variant Classification Sherloc (09022015). Collection method: clinical testing. Allele origin: germline.
Comment: This sequence change replaces tyrosine, which is neutral and polar, with cysteine, which is neutral and slightly polar, at codon 1690 of the VCAN protein (p.Tyr1690Cys). This variant is present in population databases (rs138927784, gnomAD 0.01%). This variant has not been reported in the literature in individuals affected with VCAN-related conditions. ClinVar contains an entry for this variant (Variation ID: 1054996). An algorithm developed to predict the effect of missense changes on protein structure and function (PolyPhen-2) suggests that this variant is likely to be disruptive. In summary, the available evidence is currently insufficient to determine the role of this variant in disease. Therefore, it has been classified as a Variant of Uncertain Significance.

Blueprint Genetics
Classification: Likely benign. Last evaluated: 2024-05-30. Review status: criteria provided, single submitter. Criteria: ACMG Guidelines, 2015. Collection method: clinical testing. Allele origin: germline.

PreventionGenetics, part of Exact Sciences
Classification: Uncertain significance for VCAN-related condition. Last evaluated: 2023-03-16. Review status: criteria provided, single submitter. Criteria: ACMG Guidelines, 2015. Collection method: clinical testing. Allele origin: germline.
Comment: The VCAN c.5069A>G variant is predicted to result in the amino acid substitution p.Tyr1690Cys. To our knowledge, this variant has not been reported in the literature. This variant is reported in 0.011% of alleles in individuals of European (Non-Finnish) descent in gnomAD, including one homozygote. Although we suspect that this variant may be benign, at this time, the clinical significance of this variant is uncertain due to the absence of conclusive functional and genetic evidence.